The following is an entry in ClinVar:

NM_018426.3(TMEM63B):c.2123C>G (p.Pro708Arg)

Gene: TMEM63B (transmembrane protein 63B; plus strand). Cytogenetic location: 6p21.1.
Variant type: single nucleotide variant.
Coding change: c.2123C>G on transcript NM_018426.3 (MANE Select); coding-DNA position 2123, C replaced by G.
Protein change: p.Pro708Arg; replaces proline 708 with arginine.
Molecular consequence: missense variant.
Genome position (GRCh38, 1-based): chr6:44,154,085, C>G. VCF-style: chr6-44154085-C-G. GRCh37 (hg19) VCF-style: chr6-44121822-C-G.
Other names: c.2123C>G, p.Pro708Arg (NM_001318792.1); short protein forms P708R.
Identifiers: ClinVar variation 4278506 (VCV004278506.1).
Genomic context (GRCh38, chr6:44,154,085, plus strand): 5'-GGAGGCCCACAGGAGATAGCAACCCCATTCTTTGCCCCCCAACACCAGGGTTCCTAGCTC[C>G]CACGTCTATGTTCACATTTGTGGTCCTGGTCATCACCATCGTCATCTGTCTCTGCCACGT-3'
Protein context (NP_060896.1, residues 698-718): FSTMRTGFLA[Pro708Arg]TSMFTFVVLV

ClinVar aggregate classification (germline): Uncertain significance (1 of 4 stars; one submission).

gnomAD v4.1: 1 of 1,614,104 alleles (0.000062%); highest among the groups gnomAD compares: Non-Finnish European, 0.000085%; no homozygotes.

Submission:

GeneDx
Classification: Uncertain significance. Last evaluated: 2025-04-03. Review status: criteria provided, single submitter. Criteria: GeneDx Variant Classification Process June 2021. Collection method: clinical testing. Allele origin: germline. Affected: yes.
Comment: Not observed at significant frequency in large population cohorts (gnomAD); In silico analysis supports that this missense variant has a deleterious effect on protein structure/function; Has not been previously published as pathogenic or benign to our knowledge